The following is an entry in ClinVar:

NM_020964.3(EPG5):c.7373C>T (p.Ala2458Val)

Gene: EPG5 (ectopic P-granules 5 autophagy tethering factor; minus strand). Cytogenetic location: 18q12.3.
Variant type: single nucleotide variant.
Coding change: c.7373C>T on transcript NM_020964.3 (MANE Select); coding-DNA position 7373, C replaced by T.
Protein change: p.Ala2458Val; replaces alanine 2458 with valine.
Molecular consequence: missense variant.
Genome position (GRCh38, 1-based): chr18:45,857,922, G>A on the plus strand (C>T on the coding strand, the complement: EPG5 is on the minus strand). VCF-style: chr18-45857922-G-A. GRCh37 (hg19) VCF-style: chr18-43437887-G-A.
Other names: c.7373C>T, p.Ala2458Val (NM_001410858.1); c.7370C>T, p.Ala2457Val (NM_001410859.1); short protein forms A2457V, A2458V.
Identifiers: ClinVar variation 2088573 (VCV002088573.4), dbSNP rs2511446486, ClinGen allele CA402335909.

ClinVar aggregate classification (germline): Uncertain significance (1 of 4 stars; one submission).

Conditions:
Vici syndrome (VICIS). Identifiers: Orphanet 1493, MedGen C1855772, MONDO:0009452, OMIM 242840.

Allele frequency attached by ClinVar (database versions not stated): gnomAD exomes below 0.00001.
gnomAD v4.1: 1 of 1,612,842 alleles (0.000062%); highest among the groups gnomAD compares: Non-Finnish European, 0.000085%; no homozygotes.

Submission:

Labcorp Genetics (formerly Invitae), Labcorp
Classification: Uncertain significance for Vici syndrome. Last evaluated: 2022-10-17. Review status: criteria provided, single submitter. Criteria: Invitae Variant Classification Sherloc (09022015). Collection method: clinical testing. Allele origin: germline.
Comment: In summary, the available evidence is currently insufficient to determine the role of this variant in disease. Therefore, it has been classified as a Variant of Uncertain Significance. Advanced modeling of protein sequence and biophysical properties (such as structural, functional, and spatial information, amino acid conservation, physicochemical variation, residue mobility, and thermodynamic stability) performed at Invitae indicates that this missense variant is not expected to disrupt EPG5 protein function. This variant has not been reported in the literature in individuals affected with EPG5-related conditions. This variant is not present in population databases (gnomAD no frequency). This sequence change replaces alanine, which is neutral and non-polar, with valine, which is neutral and non-polar, at codon 2458 of the EPG5 protein (p.Ala2458Val).